The following is an entry in ClinVar:

ClinVar aggregate classification (germline): Uncertain significance (1 of 4 stars; one submission).

Conditions:
FGFR2-related disorder. Identifiers: MedGen CN380096.

Submission:

PreventionGenetics, part of Exact Sciences
Classification: Uncertain significance for FGFR2-related condition. Last evaluated: 2026-08-19. Review status: criteria provided, single submitter. Criteria: ACMG Guidelines, 2015. Collection method: clinical testing. Allele origin: germline.
Comment: The FGFR2 c.1129_1131delinsAAA variant is predicted to result in an in-frame deletion and insertion. To our knowledge, this variant has not been reported in the literature or in a large population database (gnomAD), indicating this variant is rare. At this time, the clinical significance of this variant is uncertain due to the absence of conclusive functional and genetic evidence.

NM_000141.5(FGFR2):c.1129_1131delinsAAA (p.Glu377Lys)

Gene: FGFR2 (fibroblast growth factor receptor 2; minus strand). Cytogenetic location: 10q26.13.
Variant type: Indel.
Coding change: c.1129_1131delinsAAA on transcript NM_000141.5 (MANE Select); coding-DNA positions 1129 to 1131, GAG replaced by AAA.
Protein change: p.Glu377Lys; replaces glutamic acid 377 with lysine.
Molecular consequence: missense variant. On other transcripts: non-coding transcript variant (1), intron variant (1).
Genome position (GRCh38, 1-based): chr10:121,515,273-121,515,275, CTC replaced by TTT on the plus strand (GAG replaced by AAA on the coding strand, the reverse complement: FGFR2 is on the minus strand). VCF-style: chr10-121515273-CTC-TTT. GRCh37 (hg19) VCF-style: chr10-123274787-CTC-TTT.
Other names: c.1129_1131delGAGinsAAA, p.Glu377Lys (NM_000141.4); c.1132_1134delinsAAA, p.Glu378Lys (NM_001144913.1, NM_001441087.1, NM_022970.4); c.793_795delinsAAA, p.Glu265Lys (NM_001144914.1); c.862_864delinsAAA, p.Glu288Lys (NM_001144915.2, NM_001441089.1, NM_023029.3); c.784_786delinsAAA, p.Glu262Lys (NM_001144916.2, NM_001144918.2, NM_001441090.1 and 1 more transcripts); c.865_867delinsAAA, p.Glu289Lys (NM_001144919.2, NM_001441088.1); c.445_447delinsAAA, p.Glu149Lys (NM_001320654.2); c.1129_1131delinsAAA, p.Glu377Lys (NM_001320658.2); and 1 more; short protein forms E265K, E378K, E262K, E288K, E289K, E377K, E149K.
Identifiers: ClinVar variation 4996417 (VCV004996417.1).
Genomic context (GRCh38, chr10:121,515,273, plus strand): 5'-CAGGATGACTGTTACCACCATACAGGCGATTAAGAAGACCCCTATGCAGTAAATGGCTAT[CTC>TTT]CAGGTAGTCTGGGGAAGCTGTAATCTCCTTTTCTCTTCCAGGCGCTAGATTGCAGATCAC-3'
Protein context (NP_000132.3, residues 367-387): KEITASPDYL[Glu377Lys]IAIYCIGVFL